The following is an entry in ClinVar:

ClinVar aggregate classification (germline): Conflicting classifications of pathogenicity. Review status: criteria provided, conflicting classifications (1 of 4 stars). 2 submissions from 2 submitters: Uncertain significance (1); Likely benign (1). Last evaluated 2026-01-25.

Conditions:
Inborn genetic diseases. Identifiers: MedGen C0950123, MeSH D030342.

gnomAD v4.1: 14 of 1,614,014 alleles (0.00087%); highest among the groups gnomAD compares: Admixed American, 0.0083%; no homozygotes.

Submissions (2):

Labcorp Genetics (formerly Invitae), Labcorp
Classification: Uncertain significance. Last evaluated: 2026-01-25. Review status: criteria provided, single submitter. Criteria: Invitae Variant Classification Sherloc (09022015). Collection method: clinical testing. Allele origin: germline.
Comment: This sequence change replaces methionine, which is neutral and non-polar, with arginine, which is basic and polar, at codon 475 of the MACF1 protein (p.Met475Arg). This variant is present in population databases (rs772453002, gnomAD 0.009%). This variant has not been reported in the literature in individuals affected with MACF1-related conditions. ClinVar contains an entry for this variant (Variation ID: 4102039). An algorithm developed to predict the effect of missense changes on protein structure and function (PolyPhen-2) suggests that this variant is likely to be tolerated. In summary, the available evidence is currently insufficient to determine the role of this variant in disease. Therefore, it has been classified as a Variant of Uncertain Significance.

Ambry Genetics
Classification: Likely benign for Inborn genetic diseases. Last evaluated: 2025-08-26. Review status: criteria provided, single submitter. Criteria: Ambry Variant Classification Scheme 2023. Collection method: clinical testing. Allele origin: germline.

NM_001394062.1(MACF1):c.1409T>G (p.Met470Arg)

Gene: MACF1 (microtubule actin crosslinking factor 1; plus strand). Cytogenetic location: 1p34.3.
Variant type: single nucleotide variant.
Coding change: c.1409T>G on transcript NM_001394062.1 (MANE Select); coding-DNA position 1409, T replaced by G.
Protein change: p.Met470Arg; replaces methionine 470 with arginine.
Molecular consequence: missense variant.
Genome position (GRCh38, 1-based): chr1:39,285,659, T>G. VCF-style: chr1-39285659-T-G. GRCh37 (hg19) VCF-style: chr1-39751331-T-G.
Other names: c.1424T>G, p.Met475Arg (NM_012090.5); short protein forms M475R, M470R.
Identifiers: ClinVar variation 4102039 (VCV004102039.2).
Genomic context (GRCh38, chr1:39,285,659, plus strand): 5'-CTCAGGATGCTGCTCACCTGGAATCAGGACAACCGGTACAATGTGAGTCAGATGTCATTA[T>G]GTACATTCAGGAGTGTGAAGGTCTCATCAGGCAGCTGCAGGTGGATCTCCAGATCCTGCG-3'
Protein context (NP_001380991.1, residues 460-480): QPVQCESDVI[Met470Arg]YIQECEGLIR